The following is an entry in ClinVar:

NM_001267550.2(TTN):c.81982A>G (p.Thr27328Ala)

Genes: TTN (titin; minus strand), TTN-AS1 (TTN antisense RNA 1; plus strand). Cytogenetic location: 2q31.2.
Variant type: single nucleotide variant.
Coding change: c.81982A>G on transcript NM_001267550.2 (MANE Select); coding-DNA position 81982, A replaced by G.
Protein change: p.Thr27328Ala; replaces threonine 27328 with alanine.
Molecular consequence: missense variant.
Genome position (GRCh38, 1-based): chr2:178,564,150, T>C on the plus strand (A>G on the coding strand, the complement: TTN is on the minus strand). VCF-style: chr2-178564150-T-C. GRCh37 (hg19) VCF-style: chr2-179428877-T-C.
Other names: c.77059A>G, p.Thr25687Ala (NM_001256850.1); c.54787A>G, p.Thr18263Ala (NM_003319.4); c.74278A>G, p.Thr24760Ala (NM_133378.4); c.55162A>G, p.Thr18388Ala (NM_133432.3); c.55363A>G, p.Thr18455Ala (NM_133437.4); short protein forms T18263A, T18388A, T18455A, T24760A, T25687A, T27328A.
Identifiers: ClinVar variation 1176101 (VCV001176101.39), dbSNP rs376541881, ClinGen allele CA1989129.

ClinVar aggregate classification (germline): Uncertain significance. Review status: criteria provided, multiple submitters, no conflicts (2 of 4 stars). 3 submissions from 3 submitters: Uncertain significance (3). Last evaluated 2026-01-27.

Conditions:
TTN-related disorder. Also called: TTN-related disorders; TTN-related condition; TTN-related disease.

Allele frequency attached by ClinVar (database versions not stated): gnomAD exomes 0.00001 and 0.00004; ExAC 0.00002; gnomAD 0.00002 and 0.00003; TOPMed 0.00004; ESP Exome Variant Server 0.00017.
gnomAD v4.1: 65 of 1,613,696 alleles (0.004%); highest among the groups gnomAD compares: Non-Finnish European, 0.0048%; no homozygotes.

Submissions (3):

PreventionGenetics, part of Exact Sciences
Classification: Uncertain significance for TTN-related condition. Last evaluated: 2026-01-27. Review status: criteria provided, single submitter. Criteria: ACMG Guidelines, 2015. Collection method: clinical testing. Allele origin: germline.
Comment: The TTN c.81982A>G variant is predicted to result in the amino acid substitution p.Thr27328Ala. To our knowledge, this variant has not been reported in the literature. This variant is reported in 0.0065% of alleles in individuals of African descent in gnomAD. At this time, the clinical significance of this variant is uncertain due to the absence of conclusive functional and genetic evidence.

CeGaT Center for Human Genetics Tuebingen
Classification: Uncertain significance. Last evaluated: 2023-08-01. Review status: criteria provided, single submitter. Criteria: CeGaT Center For Human Genetics Tuebingen Variant Classification Criteria Version 2. Collection method: clinical testing. Allele origin: germline. Affected: yes. Observed: 2 variant alleles.
Comment: TTN: PM2, BP4

Revvity Omics, Revvity
Classification: Uncertain significance. Last evaluated: 2019-07-11. Review status: criteria provided, single submitter. Criteria: ACMG Guidelines, 2015. Collection method: clinical testing. Allele origin: germline.